The following is an entry in ClinVar:

NM_052845.4(MMAB):c.614_632dup (p.Lys211fs)

Gene: MMAB (metabolism of cobalamin associated B; minus strand). Cytogenetic location: 12q24.11.
Variant type: Duplication.
Coding change: c.614_632dup on transcript NM_052845.4 (MANE Select); coding-DNA positions 614 to 632, 19 bases duplicated (CCGATGCGAACGTGGCCAA).
Protein change: p.Lys211fs; shifts the reading frame from lysine 211.
Molecular consequence: frameshift variant. On other transcripts: non-coding transcript variant (1).
Genome position (GRCh38, 1-based): chr12:109,559,108-109,559,126, TTGGCCACGTTCGCATCGG duplicated on the plus strand (CCGATGCGAACGTGGCCAA on the coding strand, the reverse complement: MMAB is on the minus strand); duplicating any 19 consecutive bases within chr12:109,559,108-109,559,127 gives the same sequence; the c. name uses the placement nearest the transcript's 3' end. VCF-style (leftmost placement, unchanged base first): chr12-109559107-C-CTTGGCCACGTTCGCATCGG. GRCh37 (hg19) VCF-style: chr12-109996912-C-CTTGGCCACGTTCGCATCGG.
Other names: short protein forms K211fs.
Identifiers: ClinVar variation 5004710 (VCV005004710.1).

ClinVar aggregate classification (germline): Pathogenic (1 of 4 stars; one submission).

Conditions:
Methylmalonic aciduria, cblB type (MACB). Also called: Vitamin B12-responsive methylmalonic acidemia type cblB; METHYLMALONIC ACIDURIA, VITAMIN B12-RESPONSIVE, DUE TO DEFECT IN SYNTHESIS OF ADENOSYLCOBALAMIN, cblB TYPE; Methylmalonic acidemia cblB type. Identifiers: Orphanet 28, Orphanet 79311, MedGen C1855102, MONDO:0009614, OMIM 251110.

Submission:

Myriad Genetics, Inc.
Classification: Pathogenic for Methylmalonic aciduria, cblB type. Last evaluated: 2026-07-16. Review status: criteria provided, single submitter. Criteria: Myriad Autosomal Dominant, Autosomal Recessive and X-Linked Classification Criteria (2023). Collection method: clinical testing. Allele origin: unknown.
Comment: NM_052845.3(MMAB):c.614_632dup19(K211Nfs*14) is a frameshift variant classified as pathogenic in the context of methylmalonic acidemia, cblB type. K211Nfs*14 has not been observed in cases with relevant disease. Relevant functional assessments of this variant are not available in the literature. K211Nfs*14 has not been observed in referenced population frequency databases. In summary, NM_052845.3(MMAB):c.614_632dup19(K211Nfs*14) is a frameshift variant in a gene where loss of function is a known mechanism of disease and is predicted to disrupt protein function. Please note: this variant was assessed in the context of healthy population screening.